The following is an entry in ClinVar:

ClinVar aggregate classification (germline): Uncertain significance (1 of 4 stars; one submission).

Submission:

Labcorp Genetics (formerly Invitae), Labcorp
Classification: Uncertain significance. Last evaluated: 2022-07-26. Review status: criteria provided, single submitter. Criteria: Invitae Variant Classification Sherloc (09022015). Collection method: clinical testing. Allele origin: germline.
Comment: This sequence change replaces lysine, which is basic and polar, with glutamic acid, which is acidic and polar, at codon 171 of the RAX2 protein (p.Lys171Glu). This variant is not present in population databases (gnomAD no frequency). This variant has not been reported in the literature in individuals affected with RAX2-related conditions. Algorithms developed to predict the effect of missense changes on protein structure and function output the following: SIFT: "Deleterious"; PolyPhen-2: "Possibly Damaging"; Align-GVGD: "Class C55". The glutamic acid amino acid residue is found in multiple mammalian species, which suggests that this missense change does not adversely affect protein function. In summary, the available evidence is currently insufficient to determine the role of this variant in disease. Therefore, it has been classified as a Variant of Uncertain Significance.

NM_001319074.4(RAX2):c.511A>G (p.Lys171Glu)

Gene: RAX2 (retina and anterior neural fold homeobox 2; minus strand). Cytogenetic location: 19p13.3.
Variant type: single nucleotide variant.
Coding change: c.511A>G on transcript NM_001319074.4 (MANE Select); coding-DNA position 511, A replaced by G.
Protein change: p.Lys171Glu; replaces lysine 171 with glutamic acid.
Molecular consequence: missense variant.
Genome position (GRCh38, 1-based): chr19:3,770,665, T>C on the plus strand (A>G on the coding strand, the complement: RAX2 is on the minus strand). VCF-style: chr19-3770665-T-C. GRCh37 (hg19) VCF-style: chr19-3770663-T-C.
Other names: c.511A>G, p.Lys171Glu (NM_032753.4); short protein forms K171E.
Identifiers: ClinVar variation 1713838 (VCV001713838.5), dbSNP rs2512317201, ClinGen allele CA403374055.